The following is an entry in ClinVar:

NM_000080.4(CHRNE):c.393C>G (p.Tyr131Ter)

Genes: C17orf107 (chromosome 17 open reading frame 107; plus strand), CHRNE (cholinergic receptor nicotinic epsilon subunit; minus strand). Cytogenetic location: 17p13.2.
Variant type: single nucleotide variant.
Coding change: c.393C>G on transcript NM_000080.4 (MANE Select); coding-DNA position 393, C replaced by G.
Protein change: p.Tyr131Ter; replaces tyrosine 131 with a stop codon.
Molecular consequence: nonsense. On other transcripts: 3 prime UTR variant (1).
Genome position (GRCh38, 1-based): chr17:4,902,039, G>C on the plus strand (C>G on the coding strand, the complement: CHRNE is on the minus strand). VCF-style: chr17-4902039-G-C. GRCh37 (hg19) VCF-style: chr17-4805334-G-C.
Other names: c.*1506G>C (NM_001145536.2); short protein forms Y131*.
Identifiers: ClinVar variation 2137885 (VCV002137885.5), dbSNP rs1567639631, ClinGen allele CA397306284.

ClinVar aggregate classification (germline): Pathogenic. Review status: criteria provided, multiple submitters, no conflicts (2 of 4 stars). 2 submissions from 2 submitters: Pathogenic (2). Last evaluated 2026-07-04.

Conditions:
Congenital myasthenic syndrome 4A. Also called: Myasthenic syndrome, congenital, 4a, slow-channel; CONGENITAL MYASTHENIC SYNDROME TYPE Ia1; MYASTHENIC SYNDROME, CONGENITAL, 4A, SLOW-CHANNEL, AUTOSOMAL RECESSIVE. Identifiers: Orphanet 590, MedGen C4225413, MONDO:0011600, OMIM 605809.
Congenital myasthenic syndrome (CMS). Also called: Congenital Myasthenic Syndromes. Identifiers: Orphanet 590, MedGen C0751882, MeSH D020294, MONDO:0018940.

Submissions (2):

Myriad Genetics, Inc.
Classification: Pathogenic for Congenital myasthenic syndrome. Last evaluated: 2026-07-04. Review status: criteria provided, single submitter. Criteria: Myriad Autosomal Dominant, Autosomal Recessive and X-Linked Classification Criteria (2023). Collection method: clinical testing. Allele origin: unknown.
Comment: NM_000080.3(CHRNE):c.393C>G(Y131*) is expected to be pathogenic in the context of congenital myasthenic syndrome, CHRNE-related. This variant is predicted to lead to an abnormal or absent protein product due to the creation of a premature termination codon in CHRNE, a gene where loss-of-function variants are known to be pathogenic. Please note: this variant was assessed in the context of healthy population screening.

Labcorp Genetics (formerly Invitae), Labcorp
Classification: Pathogenic for Congenital myasthenic syndrome 4A. Last evaluated: 2022-03-11. Review status: criteria provided, single submitter. Criteria: Invitae Variant Classification Sherloc (09022015). Collection method: clinical testing. Allele origin: germline.
Comment: This sequence change creates a premature translational stop signal (p.Tyr131*) in the CHRNE gene. It is expected to result in an absent or disrupted protein product. Loss-of-function variants in CHRNE are known to be pathogenic (PMID: 22678886). This variant is not present in population databases (gnomAD no frequency). This premature translational stop signal has been observed in individual(s) with congenital myasthenic syndrome (PMID: 28464723). Algorithms developed to predict the effect of sequence changes on RNA splicing suggest that this variant may create or strengthen a splice site. For these reasons, this variant has been classified as Pathogenic.

Literature cited by the submitters: PubMed 22678886 (cited by Labcorp Genetics (formerly Invitae), Labcorp); PubMed 28464723 (cited by Labcorp Genetics (formerly Invitae), Labcorp).